The following is an entry in ClinVar:

ClinVar aggregate classification (germline): Uncertain significance (1 of 4 stars; one submission).

Allele frequency attached by ClinVar (database versions not stated): gnomAD exomes below 0.00001.
gnomAD v4.1: 2 of 1,614,064 alleles (0.00012%); highest among the groups gnomAD compares: Non-Finnish European, 0.00017%; no homozygotes.

Submission:

Labcorp Genetics (formerly Invitae), Labcorp
Classification: Uncertain significance. Last evaluated: 2023-01-27. Review status: criteria provided, single submitter. Criteria: Invitae Variant Classification Sherloc (09022015). Collection method: clinical testing. Allele origin: germline.
Comment: This variant has not been reported in the literature in individuals affected with A2ML1-related conditions. This variant is not present in population databases (gnomAD no frequency). This sequence change replaces valine, which is neutral and non-polar, with methionine, which is neutral and non-polar, at codon 1391 of the A2ML1 protein (p.Val1391Met). In summary, the available evidence is currently insufficient to determine the role of this variant in disease. Therefore, it has been classified as a Variant of Uncertain Significance. Algorithms developed to predict the effect of missense changes on protein structure and function are either unavailable or do not agree on the potential impact of this missense change (SIFT: "Tolerated"; PolyPhen-2: "Probably Damaging"; Align-GVGD: "Class C0").

NM_144670.6(A2ML1):c.4171G>A (p.Val1391Met)

Gene: A2ML1 (alpha-2-macroglobulin like 1; plus strand). Cytogenetic location: 12p13.31.
Variant type: single nucleotide variant.
Coding change: c.4171G>A on transcript NM_144670.6 (MANE Select); coding-DNA position 4171, G replaced by A.
Protein change: p.Val1391Met; replaces valine 1391 with methionine.
Molecular consequence: missense variant.
Genome position (GRCh38, 1-based): chr12:8,869,153, G>A. VCF-style: chr12-8869153-G-A. GRCh37 (hg19) VCF-style: chr12-9021749-G-A.
Other names: c.2698G>A, p.Val900Met (NM_001282424.3); short protein forms V900M, V1391M.
Identifiers: ClinVar variation 2832299 (VCV002832299.3), dbSNP rs2539314599, ClinGen allele CA383813078.